The following is an entry in ClinVar:

NM_000038.6(APC):c.6550G>A (p.Glu2184Lys)

Gene: APC (APC regulator of Wnt signaling pathway; plus strand). Cytogenetic location: 5q22.2.
Variant type: single nucleotide variant.
Coding change: c.6550G>A on transcript NM_000038.6 (MANE Select); coding-DNA position 6550, G replaced by A.
Protein change: p.Glu2184Lys; replaces glutamic acid 2184 with lysine.
Molecular consequence: missense variant.
Genome position (GRCh38, 1-based): chr5:112,842,144, G>A. VCF-style: chr5-112842144-G-A. GRCh37 (hg19) VCF-style: chr5-112177841-G-A.
Other names: c.6550G>A, p.Glu2184Lys (NM_001127510.3, NM_001354895.2); c.6496G>A, p.Glu2166Lys (NM_001127511.3); c.6604G>A, p.Glu2202Lys (NM_001354896.2); c.6580G>A, p.Glu2194Lys (NM_001354897.2); c.6475G>A, p.Glu2159Lys (NM_001354898.2); c.6466G>A, p.Glu2156Lys (NM_001354899.2); c.6427G>A, p.Glu2143Lys (NM_001354900.2); c.6373G>A, p.Glu2125Lys (NM_001354901.2); and 5 more; short protein forms E2166K, E2184K, E2202K, E2024K, E2083K, E2125K, E2143K, E1901K.
Identifiers: ClinVar variation 419788 (VCV000419788.25), dbSNP rs1064794107, ClinGen allele CA16035660.
Genomic context (GRCh38, chr5:112,842,144, plus strand): 5'-GGCCCACGAATTCTAAAACCAGGGGAGAAAAGTACATTGGAAACTAAAAAGATAGAATCT[G>A]AAAGTAAAGGAATCAAAGGAGGAAAAAAAGTTTATAAAAGTTTGATTACTGGAAAAGTTC-3'
Protein context (NP_000029.2, residues 2174-2194): STLETKKIES[Glu2184Lys]SKGIKGGKKV

ClinVar aggregate classification (germline): Uncertain significance. Review status: criteria provided, multiple submitters, no conflicts (2 of 4 stars). 5 submissions from 5 submitters: Uncertain significance (5). Last evaluated 2025-12-10.

Conditions:
Hereditary cancer-predisposing syndrome. Also called: Hereditary neoplastic syndrome; Tumor predisposition; Neoplastic Syndromes, Hereditary; Hereditary Cancer Syndrome. Identifiers: Orphanet 140162, MedGen C0027672, MeSH D009386, MONDO:0015356.
Familial adenomatous polyposis 1 (FAP1). Also called: FAMILIAL ADENOMATOUS POLYPOSIS 1, ATTENUATED; POLYPOSIS, ADENOMATOUS INTESTINAL. Identifiers: MedGen C2713442, MONDO:0021056, OMIM 175100. Disease mechanism: loss of function.

gnomAD v4.1: 4 of 1,611,804 alleles (0.00025%); highest among the groups gnomAD compares: Non-Finnish European, 0.00034%; no homozygotes.

Submissions (5):

Labcorp Genetics (formerly Invitae), Labcorp
Classification: Uncertain significance for Familial adenomatous polyposis 1. Last evaluated: 2025-12-10. Review status: criteria provided, single submitter. Criteria: Invitae Variant Classification Sherloc (09022015). Collection method: clinical testing. Allele origin: germline.
Comment: This sequence change replaces glutamic acid, which is acidic and polar, with lysine, which is basic and polar, at codon 2184 of the APC protein (p.Glu2184Lys). This variant is not present in population databases (gnomAD no frequency). This variant has not been reported in the literature in individuals affected with APC-related conditions. ClinVar contains an entry for this variant (Variation ID: 419788). Invitae Evidence Modeling of protein sequence and biophysical properties (such as structural, functional, and spatial information, amino acid conservation, physicochemical variation, residue mobility, and thermodynamic stability) indicates that this missense variant is not expected to disrupt APC protein function with a negative predictive value of 95%. In summary, the available evidence is currently insufficient to determine the role of this variant in disease. Therefore, it has been classified as a Variant of Uncertain Significance.

Color Diagnostics, LLC DBA Color Health
Classification: Uncertain significance for Hereditary cancer-predisposing syndrome. Last evaluated: 2025-08-13. Review status: criteria provided, single submitter. Criteria: ACMG Guidelines, 2015. Collection method: clinical testing. Allele origin: germline.
Comment: This missense variant replaces glutamic acid with lysine at codon 2184 of the APC protein. Computational prediction is inconclusive regarding the impact of this variant on protein structure and function. To our knowledge, functional studies have not been reported for this variant. This variant has not been reported in individuals affected with APC-related disorders in the literature. This variant has not been identified in the general population by the Genome Aggregation Database (gnomAD). The available evidence is insufficient to determine the role of this variant in disease conclusively. Therefore, this variant is classified as a Variant of Uncertain Significance.

Ambry Genetics
Classification: Uncertain significance for Hereditary cancer-predisposing syndrome. Last evaluated: 2024-11-13. Review status: criteria provided, single submitter. Criteria: Ambry Variant Classification Scheme 2023. Collection method: clinical testing. Allele origin: germline.
Comment: The p.E2184K variant (also known as c.6550G>A), located in coding exon 15 of the APC gene, results from a G to A substitution at nucleotide position 6550. The glutamic acid at codon 2184 is replaced by lysine, an amino acid with similar properties. Missense alterations in APC are not a common cause of disease (Spier I et al. Genet Med. 2024 Feb;26(2):100992). This amino acid position is well conserved in available vertebrate species. In addition, in silico predictors for this gene do not accurately predict pathogenicity. Since supporting evidence is limited at this time, the clinical significance of this alteration remains unclear.

Baylor Genetics
Classification: Uncertain significance for Familial adenomatous polyposis 1. Last evaluated: 2023-09-05. Review status: criteria provided, single submitter. Criteria: ACMG Guidelines, 2015. Collection method: clinical testing. Allele origin: unknown.

GeneDx
Classification: Uncertain significance. Last evaluated: 2022-06-29. Review status: criteria provided, single submitter. Criteria: GeneDx Variant Classification Process June 2021. Collection method: clinical testing. Allele origin: germline. Affected: yes.
Comment: Not observed at significant frequency in large population cohorts (gnomAD); In silico analysis supports that this missense variant does not alter protein structure/function; Has not been previously published as pathogenic or benign to our knowledge